The following is an entry in ClinVar:

NM_004100.5(EYA4):c.166T>C (p.Ser56Pro)

Gene: EYA4 (EYA transcriptional coactivator and phosphatase 4; plus strand). Cytogenetic location: 6q23.2.
Variant type: single nucleotide variant.
Coding change: c.166T>C on transcript NM_004100.5 (MANE Select); coding-DNA position 166, T replaced by C.
Protein change: p.Ser56Pro; replaces serine 56 with proline.
Molecular consequence: missense variant.
Genome position (GRCh38, 1-based): chr6:133,446,712, T>C. VCF-style: chr6-133446712-T-C. GRCh37 (hg19) VCF-style: chr6-133767850-T-C.
Other names: c.166T>C, p.Ser56Pro (NM_001370458.1, NM_001370459.1, NM_172103.4 and 3 more transcripts); short protein forms S56P.
Identifiers: ClinVar variation 4734120 (VCV004734120.1).
Genomic context (GRCh38, chr6:133,446,712, plus strand): 5'-GCAAGTCCTCATACTCTTGTTGGAGGTGGTGATACTCCAGGTAGCTCCAAACTGGAAAAA[T>C]CTAATCTCAGCAGCACATCAGTTACTACAAATGGGACAGGAGGTAAGTGTACTACCCTGA-3'
Protein context (NP_004091.3, residues 46-66): DTPGSSKLEK[Ser56Pro]NLSSTSVTTN

ClinVar aggregate classification (germline): Uncertain significance (1 of 4 stars; one submission).

Conditions:
Dilated cardiomyopathy 1J (CMD1J). Also called: CARDIOMYOPATHY, DILATED, WITH SENSORINEURAL HEARING LOSS, AUTOSOMAL DOMINANT. Identifiers: Orphanet 217622, MedGen C1854368, MONDO:0011541, OMIM 605362.

gnomAD v4.1: 1 of 1,613,998 alleles (0.000062%); highest among the groups gnomAD compares: Non-Finnish European, 0.000085%; no homozygotes.

Submission:

Labcorp Genetics (formerly Invitae), Labcorp
Classification: Uncertain significance for Dilated cardiomyopathy 1J. Last evaluated: 2026-01-06. Review status: criteria provided, single submitter. Criteria: Invitae Variant Classification Sherloc (09022015). Collection method: clinical testing. Allele origin: germline.
Comment: This sequence change replaces serine, which is neutral and polar, with proline, which is neutral and non-polar, at codon 56 of the EYA4 protein (p.Ser56Pro). This variant is not present in population databases (gnomAD no frequency). This variant has not been reported in the literature in individuals affected with EYA4-related conditions. An algorithm developed to predict the effect of missense changes on protein structure and function outputs the following: PolyPhen-2: "Benign". The proline amino acid residue is found in multiple mammalian species, which suggests that this missense change does not adversely affect protein function. In summary, the available evidence is currently insufficient to determine the role of this variant in disease. Therefore, it has been classified as a Variant of Uncertain Significance.